The following is an entry in ClinVar:

NM_017442.4(TLR9):c.555G>T (p.Arg185Ser)

Gene: TLR9 (toll like receptor 9; minus strand). Cytogenetic location: 3p21.2.
Variant type: single nucleotide variant.
Coding change: c.555G>T on transcript NM_017442.4 (MANE Select); coding-DNA position 555, G replaced by T.
Protein change: p.Arg185Ser; replaces arginine 185 with serine.
Molecular consequence: missense variant.
Genome position (GRCh38, 1-based): chr3:52,223,761, C>A on the plus strand (G>T on the coding strand, the complement: TLR9 is on the minus strand). VCF-style: chr3-52223761-C-A. GRCh37 (hg19) VCF-style: chr3-52257777-C-A.
Other names: short protein forms R185S.
Identifiers: ClinVar variation 4540453 (VCV004540453.1).

ClinVar aggregate classification (germline): Uncertain significance (1 of 4 stars; one submission).

Conditions:
Meniere disease. Also called: Ménière's disease. Identifiers: MedGen C0025281, MONDO:0007972, OMIM 156000.

Submission:

Meniere Disease Neuroscience Research Program, Faculty of Medicine and Health, Kolling Institute, The University of Sydney
Classification: Uncertain significance for Meniere disease. Last evaluated: 2025-12-27. Review status: criteria provided, single submitter. Criteria: ClinGen HL ACMG Specifications v1. Collection method: research. Allele origin: germline. Affected: yes.
Comment: This variant has an amino acid change at p.Arg185Ser. This indivial shares mutation chr3:52222299G>C in the TLR9 gene.